The following is an entry in ClinVar:

ClinVar aggregate classification (germline): Conflicting classifications of pathogenicity. Review status: criteria provided, conflicting classifications (1 of 4 stars). 3 submissions from 3 submitters: Uncertain significance (2); Likely benign (1). Last evaluated 2025-09-04.

Conditions:
Cardiomyopathy (CMYO). Also called: Cardiomyopathies. Identifiers: Orphanet 167848, MedGen C0878544, MONDO:0004994, HP:0001638. Inheritance: Various modes of inheritance.
Hypertrophic cardiomyopathy. Also called: HYPERTROPHIC MYOCARDIOPATHY. Identifiers: Orphanet 217569, MedGen C0007194, MeSH D002312, MONDO:0005045, HP:0001639.

Allele frequency attached by ClinVar (database versions not stated): TOPMed 0.00002; gnomAD 0.00001.
gnomAD v4.1: 2 of 1,563,246 alleles (0.00013%); highest among the groups gnomAD compares: African/African-American, 0.0027%; no homozygotes.

Submissions (3):

Color Diagnostics, LLC DBA Color Health
Classification: Uncertain significance for Cardiomyopathy. Last evaluated: 2025-09-04. Review status: criteria provided, single submitter. Criteria: ACMG Guidelines, 2015. Collection method: clinical testing. Allele origin: germline.
Comment: This variant causes a T to A nucleotide substitution at the -13 position of intron 18 of the MYBPC3 gene. To our knowledge, functional studies have not been reported for this variant. This variant has not been reported in individuals affected with MYBPC3-related disorders in the literature. This variant has not been identified in the general population by the Genome Aggregation Database (gnomAD). The available evidence is insufficient to determine the role of this variant in disease conclusively. Therefore, this variant is classified as a Variant of Uncertain Significance.

Labcorp Genetics (formerly Invitae), Labcorp
Classification: Likely benign for Hypertrophic cardiomyopathy. Last evaluated: 2025-05-12. Review status: criteria provided, single submitter. Criteria: Invitae Variant Classification Sherloc (09022015). Collection method: clinical testing. Allele origin: germline.

GeneDx
Classification: Uncertain significance. Last evaluated: 2022-06-30. Review status: criteria provided, single submitter. Criteria: GeneDx Variant Classification Process June 2021. Collection method: clinical testing. Allele origin: germline. Affected: yes.
Comment: Has not been previously published as pathogenic or benign to our knowledge; Not observed at significant frequency in large population cohorts (gnomAD); In silico analysis, which includes splice predictors and evolutionary conservation, suggests this variant may impact gene splicing. In the absence of RNA/functional studies, the actual effect of this sequence change is unknown.

NM_000256.3(MYBPC3):c.1791-13T>A

Gene: MYBPC3 (myosin binding protein C3; minus strand). Cytogenetic location: 11p11.2.
Variant type: single nucleotide variant.
Coding change: c.1791-13T>A on transcript NM_000256.3 (MANE Select); 13 bases into the intron before coding-DNA position 1791, T replaced by A.
Molecular consequence: intron variant.
Genome position (GRCh38, 1-based): chr11:47,341,257, A>T on the plus strand (T>A on the coding strand, the complement: MYBPC3 is on the minus strand). VCF-style: chr11-47341257-A-T. GRCh37 (hg19) VCF-style: chr11-47362808-A-T.
Identifiers: ClinVar variation 1332681 (VCV001332681.8), dbSNP rs982545302, ClinGen allele CA221694362.